The following is an entry in ClinVar:

NM_014208.3(DSPP):c.2857AGT[1] (p.Ser954del)

Genes: DMP1-AS1 (DMP1 and DSPP antisense RNA 1; minus strand), DSPP (dentin sialophosphoprotein; plus strand). Cytogenetic location: 4q22.1.
Variant type: Microsatellite.
Coding change: c.2857AGT[1] on transcript NM_014208.3 (MANE Select); one copy of the 3-base unit AGT starting at c.2857; the reference has two copies in a row; one copy, 3 bases deleted.
Protein change: p.Ser954del; deletes serine 954.
Molecular consequence: inframe deletion.
Genome position (GRCh38, 1-based): chr4:87,615,522-87,615,524, AGT deleted; deleting any 3 consecutive bases within chr4:87,615,518-87,615,524 gives the same sequence; the position shown is the placement nearest the transcript's 3' end. VCF-style (leftmost placement, unchanged base first): chr4-87615517-ATAG-A. GRCh37 (hg19) VCF-style: chr4-88536669-ATAG-A.
Other names: c.2860_2862delAGT (NM_014208.3); short protein forms S954del.
Identifiers: ClinVar variation 2571208 (VCV002571208.28), dbSNP rs754434430, ClinGen allele CA3001332.
Genomic context (GRCh38, chr4:87,615,517, plus strand): 5'-ACAGCAATAGCAGTGACAGCAGCAACAGCAGTGACAGCAGTGATAGCAGTGACAGCAGTA[ATAG>A]TAGTGACAGCAGCAATAGCAGTGACAGCAGCAACAGCAGTGACAGCAGTGATAGCAATAG-3'

ClinVar aggregate classification (germline): Conflicting classifications of pathogenicity. Review status: criteria provided, conflicting classifications (1 of 4 stars). 2 submissions from 2 submitters: Uncertain significance (1); Likely benign (1). Last evaluated 2026-06-29.

Submissions (2):

Women's Health and Genetics/Laboratory Corporation of America, LabCorp
Classification: Uncertain significance. Last evaluated: 2026-06-29. Review status: criteria provided, single submitter. Criteria: LabCorp Variant Classification Summary - May 2015. Collection method: clinical testing. Allele origin: germline.
Comment: Variant summary: DSPP c.2860_2862delAGT (p.Ser954del) results in an in-frame deletion that is predicted to remove one amino acid from the encoded protein. The variant allele was found at a frequency of 0.00011 in 152336 control chromosomes in the gnomAD database, including 1 homozygotes. This frequency is not significantly higher than estimated for disease-causing variants in DSPP, allowing no conclusion about variant significance. To our knowledge, no occurrence of c.2860_2862delAGT in individuals affected with DSPP-related conditions and no experimental evidence demonstrating its impact on protein function have been reported. ClinVar contains an entry for this variant (Variation ID: 2571208). Based on the evidence outlined above, the variant was classified as uncertain significance.

CeGaT Center for Human Genetics Tuebingen
Classification: Likely benign. Last evaluated: 2025-07-01. Review status: criteria provided, single submitter. Criteria: CeGaT Center For Human Genetics Tuebingen Variant Classification Criteria Version 2. Collection method: clinical testing. Allele origin: germline. Affected: yes. Observed: 2 variant alleles.
Comment: DSPP: BS1